The following is an entry in ClinVar:

NM_004563.4(PCK2):c.1486G>A (p.Asp496Asn)

Genes: NRL (neural retina leucine zipper; minus strand), PCK2 (phosphoenolpyruvate carboxykinase 2, mitochondrial; plus strand). Cytogenetic location: 14q12.
Variant type: single nucleotide variant.
Coding change: c.1486G>A on transcript NM_004563.4 (MANE Select); coding-DNA position 1486, G replaced by A.
Protein change: p.Asp496Asn; replaces aspartic acid 496 with asparagine.
Molecular consequence: missense variant. On other transcripts: intron variant (3).
Genome position (GRCh38, 1-based): chr14:24,103,527, G>A. VCF-style: chr14-24103527-G-A. GRCh37 (hg19) VCF-style: chr14-24572736-G-A.
Other names: c.1084G>A, p.Asp362Asn (NM_001291556.2, NM_001308054.2); c.-28+11195C>T (NM_001354768.3, NM_001354770.2); c.-254+11195C>T (NM_006177.5); short protein forms D362N, D496N.
Identifiers: ClinVar variation 1467742 (VCV001467742.9), dbSNP rs547310860, ClinGen allele CA7123545.

ClinVar aggregate classification (germline): Uncertain significance. Review status: criteria provided, multiple submitters, no conflicts (2 of 4 stars). 2 submissions from 2 submitters: Uncertain significance (2). Last evaluated 2024-02-28.

Allele frequency attached by ClinVar (database versions not stated): gnomAD exomes 0.00001 and 0.00002; ExAC 0.00004; TOPMed 0.00004; gnomAD 0.00005 and 0.00007; 1000 Genomes Project 30x 0.00031; 1000 Genomes Project 0.00040.
gnomAD v4.1: 24 of 1,554,984 alleles (0.0015%); highest among the groups gnomAD compares: African/African-American, 0.014%; no homozygotes.

Submissions (2):

Ambry Genetics
Classification: Uncertain significance. Last evaluated: 2024-02-28. Review status: criteria provided, single submitter. Criteria: Ambry Variant Classification Scheme 2023. Collection method: clinical testing. Allele origin: germline.

Labcorp Genetics (formerly Invitae), Labcorp
Classification: Uncertain significance. Last evaluated: 2022-02-24. Review status: criteria provided, single submitter. Criteria: Invitae Variant Classification Sherloc (09022015). Collection method: clinical testing. Allele origin: germline.
Comment: This variant has not been reported in the literature in individuals affected with PCK2-related conditions. This variant is present in population databases (rs547310860, gnomAD 0.03%). This sequence change replaces aspartic acid, which is acidic and polar, with asparagine, which is neutral and polar, at codon 496 of the PCK2 protein (p.Asp496Asn). Algorithms developed to predict the effect of missense changes on protein structure and function are either unavailable or do not agree on the potential impact of this missense change (SIFT: "Tolerated"; PolyPhen-2: "Probably Damaging"; Align-GVGD: "Class C0"). In summary, the available evidence is currently insufficient to determine the role of this variant in disease. Therefore, it has been classified as a Variant of Uncertain Significance.